The following is an entry in ClinVar:

ClinVar aggregate classification (germline): Conflicting classifications of pathogenicity. Review status: criteria provided, conflicting classifications (1 of 4 stars). 4 submissions from 4 submitters: Uncertain significance (3); Benign (1). Last evaluated 2024-08-22.

Conditions:
Nephronophthisis 15 (NPHP15). Identifiers: Orphanet 3156, MedGen C3541853, MONDO:0013917, OMIM 614845.
Inborn genetic diseases. Identifiers: MedGen C0950123, MeSH D030342.

Allele frequency attached by ClinVar (database versions not stated): gnomAD exomes 0.00002 and 0.00010; gnomAD 0.00003 and 0.00006; TOPMed 0.00003; ExAC 0.00006; 1000 Genomes Project 30x 0.00031; 1000 Genomes Project 0.00040.
gnomAD v4.1: 45 of 1,614,176 alleles (0.0028%); highest among the groups gnomAD compares: East Asian, 0.076%; no homozygotes.

Submissions (4):

Blueprint Genetics
Classification: Benign. Last evaluated: 2024-08-22. Review status: criteria provided, single submitter. Criteria: ACMG Guidelines, 2015. Collection method: clinical testing. Allele origin: germline.

Ambry Genetics
Classification: Uncertain significance for Inborn genetic diseases. Last evaluated: 2023-06-07. Review status: criteria provided, single submitter. Criteria: Ambry Variant Classification Scheme 2023. Collection method: clinical testing. Allele origin: germline.

Labcorp Genetics (formerly Invitae), Labcorp
Classification: Uncertain significance for Nephronophthisis 15. Last evaluated: 2022-09-27. Review status: criteria provided, single submitter. Criteria: Invitae Variant Classification Sherloc (09022015). Collection method: clinical testing. Allele origin: germline.
Comment: This sequence change replaces isoleucine, which is neutral and non-polar, with methionine, which is neutral and non-polar, at codon 401 of the CEP164 protein (p.Ile401Met). This variant is present in population databases (rs202080477, gnomAD 0.1%). This variant has not been reported in the literature in individuals affected with CEP164-related conditions. ClinVar contains an entry for this variant (Variation ID: 1054835). Algorithms developed to predict the effect of missense changes on protein structure and function output the following: SIFT: "Tolerated"; PolyPhen-2: "Benign"; Align-GVGD: "Class C0". The methionine amino acid residue is found in multiple mammalian species, which suggests that this missense change does not adversely affect protein function. In summary, the available evidence is currently insufficient to determine the role of this variant in disease. Therefore, it has been classified as a Variant of Uncertain Significance.

Fulgent Genetics
Classification: Uncertain significance for Nephronophthisis 15. Last evaluated: 2021-10-28. Review status: criteria provided, single submitter. Criteria: ACMG Guidelines, 2015. Collection method: clinical testing. Allele origin: unknown.

NM_014956.5(CEP164):c.1203A>G (p.Ile401Met)

Gene: CEP164 (centrosomal protein 164; plus strand). Cytogenetic location: 11q23.3.
Variant type: single nucleotide variant.
Coding change: c.1203A>G on transcript NM_014956.5 (MANE Select); coding-DNA position 1203, A replaced by G.
Protein change: p.Ile401Met; replaces isoleucine 401 with methionine.
Molecular consequence: missense variant.
Genome position (GRCh38, 1-based): chr11:117,373,801, A>G. VCF-style: chr11-117373801-A-G. GRCh37 (hg19) VCF-style: chr11-117244517-A-G.
Other names: c.1203A>G (NM_014956.4); c.1203A>G, p.Ile401Met (NM_001271933.2); short protein forms I401M.
Identifiers: ClinVar variation 1054835 (VCV001054835.7), dbSNP rs202080477, ClinGen allele CA6294671.
Genomic context (GRCh38, chr11:117,373,801, plus strand): 5'-GTCTCTCCAGGAACTGGAAATTAGTGAACACATGAAGGAACCACAGCTCTCAGACTCCAT[A>G]GCTTCTGACCCCAAGTCCTTCCATGGCCTGGTGAGTTTGAGATGAGGGCAGTAGAGTGGT-3'
Protein context (NP_055771.4, residues 391-411): HMKEPQLSDS[Ile401Met]ASDPKSFHGL